The following is an entry in ClinVar:

ClinVar aggregate classification (germline): Uncertain significance. Review status: criteria provided, multiple submitters, no conflicts (2 of 4 stars). 2 submissions from 2 submitters: Uncertain significance (2). Last evaluated 2024-07-06.

Conditions:
Juvenile polyposis syndrome (JPS). Identifiers: Orphanet 2929, MedGen C0345893, MONDO:0017380, OMIM 174900.
Hereditary cancer-predisposing syndrome. Also called: Hereditary neoplastic syndrome; Tumor predisposition; Neoplastic Syndromes, Hereditary; Hereditary Cancer Syndrome. Identifiers: Orphanet 140162, MedGen C0027672, MeSH D009386, MONDO:0015356.
Familial thoracic aortic aneurysm and aortic dissection (TAAD). Also called: Thoracic aortic aneurysms and dissections. Identifiers: Orphanet 91387, MedGen C4707243, MONDO:0019625.

Submissions (2):

Labcorp Genetics (formerly Invitae), Labcorp
Classification: Uncertain significance for Juvenile polyposis syndrome. Last evaluated: 2024-07-06. Review status: criteria provided, single submitter. Criteria: Invitae Variant Classification Sherloc (09022015). Collection method: clinical testing. Allele origin: germline.
Comment: This sequence change replaces valine, which is neutral and non-polar, with isoleucine, which is neutral and non-polar, at codon 72 of the SMAD4 protein (p.Val72Ile). This variant is not present in population databases (gnomAD no frequency). This variant has not been reported in the literature in individuals affected with SMAD4-related conditions. ClinVar contains an entry for this variant (Variation ID: 1718836). Advanced modeling of protein sequence and biophysical properties (such as structural, functional, and spatial information, amino acid conservation, physicochemical variation, residue mobility, and thermodynamic stability) has been performed at Invitae for this missense variant, however the output from this modeling did not meet the statistical confidence thresholds required to predict the impact of this variant on SMAD4 protein function. In summary, the available evidence is currently insufficient to determine the role of this variant in disease. Therefore, it has been classified as a Variant of Uncertain Significance.

Ambry Genetics
Classification: Uncertain significance for Hereditary cancer-predisposing syndrome; Familial thoracic aortic aneurysm and aortic dissection. Last evaluated: 2024-01-05. Review status: criteria provided, single submitter. Criteria: Ambry Variant Classification Scheme 2023. Collection method: clinical testing. Allele origin: germline.
Comment: The p.V72I variant (also known as c.214G>A), located in coding exon 1 of the SMAD4 gene, results from a G to A substitution at nucleotide position 214. The valine at codon 72 is replaced by isoleucine, an amino acid with highly similar properties. This amino acid position is highly conserved in available vertebrate species. In addition, the in silico prediction for this alteration is inconclusive. Since supporting evidence is limited at this time, the clinical significance of this alteration remains unclear.

NM_005359.6(SMAD4):c.214G>A (p.Val72Ile)

Gene: SMAD4 (SMAD family member 4; plus strand). Cytogenetic location: 18q21.2.
Variant type: single nucleotide variant.
Coding change: c.214G>A on transcript NM_005359.6 (MANE Select); coding-DNA position 214, G replaced by A.
Protein change: p.Val72Ile; replaces valine 72 with isoleucine.
Molecular consequence: missense variant.
Genome position (GRCh38, 1-based): chr18:51,047,260, G>A. VCF-style: chr18-51047260-G-A. GRCh37 (hg19) VCF-style: chr18-48573630-G-A.
Other names: c.214G>A, p.Val72Ile (NM_001407041.1, NM_001407042.1, NM_001407043.1); short protein forms V72I.
Identifiers: ClinVar variation 1718836 (VCV001718836.6), dbSNP rs2511367974, ClinGen allele CA402458072.